The following is an entry in ClinVar:

ClinVar aggregate classification (germline): Uncertain significance (1 of 4 stars; one submission).

Conditions:
Hereditary cancer-predisposing syndrome. Also called: Tumor predisposition; Hereditary neoplastic syndrome; Neoplastic Syndromes, Hereditary; Hereditary Cancer Syndrome. Identifiers: Orphanet 140162, MedGen C0027672, MeSH D009386, MONDO:0015356.

Submission:

Ambry Genetics
Classification: Uncertain significance for Hereditary cancer-predisposing syndrome. Last evaluated: 2025-04-06. Review status: criteria provided, single submitter. Criteria: Ambry Variant Classification Scheme 2023. Collection method: clinical testing. Allele origin: germline.
Comment: The p.Q617R variant (also known as c.1850A>G), located in coding exon 6 of the AXIN2 gene, results from an A to G substitution at nucleotide position 1850. The glutamine at codon 617 is replaced by arginine, an amino acid with highly similar properties. This amino acid position is conserved. In addition, this alteration is predicted to be deleterious by in silico analysis. Based on the available evidence, the clinical significance of this variant remains unclear.

NM_004655.4(AXIN2):c.1850A>G (p.Gln617Arg)

Gene: AXIN2 (axin 2; minus strand). Cytogenetic location: 17q24.1.
Variant type: single nucleotide variant.
Coding change: c.1850A>G on transcript NM_004655.4 (MANE Select); coding-DNA position 1850, A replaced by G.
Protein change: p.Gln617Arg; replaces glutamine 617 with arginine.
Molecular consequence: missense variant. On other transcripts: intron variant (1).
Genome position (GRCh38, 1-based): chr17:65,536,926, T>C on the plus strand (A>G on the coding strand, the complement: AXIN2 is on the minus strand). VCF-style: chr17-65536926-T-C. GRCh37 (hg19) VCF-style: chr17-63533044-T-C.
Other names: c.1713-373A>G (NM_001363813.1); short protein forms Q617R.
Identifiers: ClinVar variation 3980909 (VCV003980909.1).
Genomic context (GRCh38, chr17:65,536,926, plus strand): 5'-TACCTATGGGGCTTGGGCTTGCTCTGCCGCTCACTCTCCAGCATCCACTGCCAGACATCC[T>C]GCGACCTGTCTCCTTCCTCCCGGGGAAGCTGCAGGGCCCCAGCTCCGCCGGGGGCCCCTC-3'
Protein context (NP_004646.3, residues 607-627): QLPREEGDRS[Gln617Arg]DVWQWMLESE